The following is an entry in ClinVar:

NM_002185.5(IL7R):c.251A>G (p.Asn84Ser)

Gene: IL7R (interleukin 7 receptor; plus strand). Cytogenetic location: 5p13.2.
Variant type: single nucleotide variant.
Coding change: c.251A>G on transcript NM_002185.5 (MANE Select); coding-DNA position 251, A replaced by G.
Protein change: p.Asn84Ser; replaces asparagine 84 with serine.
Molecular consequence: missense variant. On other transcripts: non-coding transcript variant (1).
Genome position (GRCh38, 1-based): chr5:35,867,335, A>G. VCF-style: chr5-35867335-A-G. GRCh37 (hg19) VCF-style: chr5-35867437-A-G.
Other names: short protein forms N84S.
Identifiers: ClinVar variation 863369 (VCV000863369.1), dbSNP rs1759963721, ClinGen allele CA359427796.
Genomic context (GRCh38, chr5:35,867,335, plus strand): 5'-ATCAAGACATATCCCCTTTTTATTCCTACAGTGGGGCCCTCGTGGAGGTAAAGTGCCTGA[A>G]TTTCAGGAAACTACAAGAGATATATTTCATCGAGACAAAGAAATTCTTACTGATTGGAAA-3'
Protein context (NP_002176.2, residues 74-94): CGALVEVKCL[Asn84Ser]FRKLQEIYFI

ClinVar aggregate classification (germline): Uncertain significance (1 of 4 stars; one submission).

Conditions:
Immunodeficiency 104. Also called: IMMUNODEFICIENCY 104, SEVERE COMBINED; Severe combined immunodeficiency, autosomal recessive, T cell-negative, B cell-positive, NK cell-positive; SCID, AUTOSOMAL RECESSIVE, T CELL-NEGATIVE, B CELL-POSITIVE, NK CELL-POSITIVE; Severe Combined Immune Deficiency, Autosomal Recessive, TCell -Negative, B Cell-Positive, NK Cell-Positive, IL7R-Related. Identifiers: MedGen C5676890, MONDO:0012163, OMIM 608971.

Allele frequency attached by ClinVar (database versions not stated): gnomAD exomes below 0.00001.
gnomAD v4.1: 1 of 1,613,796 alleles (0.000062%); highest among the groups gnomAD compares: Non-Finnish European, 0.000085%; no homozygotes.

Submission:

Labcorp Genetics (formerly Invitae), Labcorp
Classification: Uncertain significance for Severe combined immunodeficiency, autosomal recessive, T cell-negative, B cell-positive, NK cell-positive. Last evaluated: 2019-01-22. Review status: criteria provided, single submitter. Criteria: Invitae Variant Classification Sherloc (09022015). Collection method: clinical testing. Allele origin: germline.
Comment: This sequence change replaces asparagine with serine at codon 84 of the IL7R protein (p.Asn84Ser). The asparagine residue is weakly conserved and there is a small physicochemical difference between asparagine and serine. This variant is not present in population databases (ExAC no frequency). This variant has not been reported in the literature in individuals with IL7R-related conditions. Algorithms developed to predict the effect of missense changes on protein structure and function output the following: SIFT: "Tolerated"; PolyPhen-2: "Benign"; Align-GVGD: "Class C0". The serine amino acid residue is found in multiple mammalian species, suggesting that this missense change does not adversely affect protein function. These predictions have not been confirmed by published functional studies and their clinical significance is uncertain. In summary, the available evidence is currently insufficient to determine the role of this variant in disease. Therefore, it has been classified as a Variant of Uncertain Significance.